The following is an entry in ClinVar:

ClinVar aggregate classification (germline): Conflicting classifications of pathogenicity. Review status: criteria provided, conflicting classifications (1 of 4 stars). 6 submissions from 6 submitters: Likely pathogenic (2); Uncertain significance (2); Benign (1); Likely benign (1). Last evaluated 2026-07-27.

Conditions:
RP1L1-related disorder. Also called: RP1L1-related condition.
Retinitis pigmentosa 88. Identifiers: MedGen C5394208, MONDO:0032940, OMIM 618826.
Occult macular dystrophy (OCMD). Also called: OCCULT MACULAR DYSTROPHY, SUSCEPTIBILITY TO; OMD. Identifiers: Orphanet 247834, MedGen C3150833, MONDO:0013316, OMIM 613587, HP:0030636.

Allele frequency attached by ClinVar (database versions not stated): ExAC 0.00136; gnomAD exomes 0.00137 and 0.00103; TOPMed 0.00032; gnomAD 0.00103 and 0.00106.

Submissions (6):

PreventionGenetics, part of Exact Sciences
Classification: Uncertain significance for RP1L1-related condition. Last evaluated: 2026-07-27. Review status: criteria provided, single submitter. Criteria: ACMG Guidelines, 2015. Collection method: clinical testing. Allele origin: germline.
Comment: The RP1L1 c.326_327insT variant is predicted to result in a frameshift and premature protein termination (p.Lys111Glnfs*27). This variant has been reported in multiple individuals with retinal dystrophy, but these individuals frequently have additional gene variants that may contribute to disease. It has been reported in an individual with retinitis pigmentosa that also carried an additional nonsense variant in RP1L1 on the same allele (in cis) as well as a nonsense variant in C2orf71 (Liu et al. 2017. PubMed ID: 27029556). This variant has also been reported as a variant of uncertain significance in the heterozygous state in an individual with retinitis pigmentosa; however, the unaffected mother was also heterozygous for this variant (Avela et al. 2019. PubMed ID: 31087526). The c.326_327insT variant has also been reported in the homozygous state in an individual without reported ophthalmic symptoms (Table S1, Spedicati et al. 2021. PubMed ID: 33727708). Finally, it has been reported along with an uncertain RP1L1 variant in an individual with retinitis pigmentosa whose disease could be explained by pathogenic variants in the CWC27 gene (Table S1, Weisschuh et al. 2024. PubMed ID: 37734845). This variant is present in 0.89% of alleles in individuals of European (Finnish) descent in gnomAD, including 1 homozygote indicating this variant may be too common to be a primary cause of disease. At this time, the clinical significance of this variant is uncertain due to the absence of conclusive functional and genetic evidence.

Labcorp Genetics (formerly Invitae), Labcorp
Classification: Benign. Last evaluated: 2026-01-12. Review status: criteria provided, single submitter. Criteria: Invitae Variant Classification Sherloc (09022015). Collection method: clinical testing. Allele origin: germline.

GeneDx
Classification: Uncertain significance. Last evaluated: 2025-07-17. Review status: criteria provided, single submitter. Criteria: GeneDx Variant Classification Process June 2021. Collection method: clinical testing. Allele origin: germline.
Comment: Frameshift variant predicted to result in protein truncation or nonsense mediated decay in a gene for which loss of function is a known mechanism of disease; Observed in heterozygous state in an individual with retinitis pigmentosa in published literature, although the variant was also present in the heterozygous state in the unaffected mother (PMID: 31087526); Observed with a nonsense variant on the same allele (in cis) in a patient with syndromic retinitis pigmentosa in published literature; this patient was also heterozygous for a nonsense variant in the PCARE gene (previously known as C2orf71), suggestive of possible digenic inheritance (PMID: 27029556); Observed in apparent homozygous state in an individual with no reported history of ophthalmologic disorders in published literature (PMID: 33727708); This variant is associated with the following publications: (PMID: 34426522, 31087526, 37734845, 27029556, 33727708)

Blueprint Genetics
Classification: Likely benign. Last evaluated: 2024-11-11. Review status: criteria provided, single submitter. Criteria: ACMG Guidelines, 2015. Collection method: clinical testing. Allele origin: germline.

Department of Pathology and Laboratory Medicine, Sinai Health System
Classification: Likely pathogenic for Occult macular dystrophy; Retinitis pigmentosa 88. Last evaluated: 2023-02-21. Review status: criteria provided, single submitter. Criteria: ACMG Guidelines, 2015. Collection method: research. Allele origin: germline.

CeGaT Center for Human Genetics Tuebingen
Classification: Likely pathogenic. Last evaluated: 2018-09-01. Review status: criteria provided, single submitter. Criteria: CeGaT Center For Human Genetics Tuebingen Variant Classification Criteria Version 2. Collection method: clinical testing. Allele origin: germline. Affected: yes. Observed: 2 variant alleles.

NM_178857.6(RP1L1):c.326_327insT (p.Lys111fs)

Gene: RP1L1 (RP1 like 1). Cytogenetic location: 8p23.1.
Variant type: Insertion.
Coding change: c.326_327insT on transcript NM_178857.6 (MANE Select); coding-DNA positions 326 to 327, T inserted.
Protein change: p.Lys111fs; shifts the reading frame from lysine 111.
Molecular consequence: frameshift variant.
Genome position: GRCh38 VCF-style: chr8-10622875-G-GA. GRCh37 (hg19) VCF-style: chr8-10480385-G-GA.
Other names: short protein forms K111fs.
Identifiers: ClinVar variation 624313 (VCV000624313.60), dbSNP rs771427543, ClinGen allele CA4625758.